The following is an entry in ClinVar:

ClinVar aggregate classification (germline): Uncertain significance (1 of 4 stars; one submission).

Submission:

Labcorp Genetics (formerly Invitae), Labcorp
Classification: Uncertain significance. Last evaluated: 2022-08-09. Review status: criteria provided, single submitter. Criteria: Invitae Variant Classification Sherloc (09022015). Collection method: clinical testing. Allele origin: germline.
Comment: This sequence change replaces isoleucine, which is neutral and non-polar, with leucine, which is neutral and non-polar, at codon 1190 of the C5 protein (p.Ile1190Leu). This variant is not present in population databases (gnomAD no frequency). In summary, the available evidence is currently insufficient to determine the role of this variant in disease. Therefore, it has been classified as a Variant of Uncertain Significance. Algorithms developed to predict the effect of missense changes on protein structure and function are either unavailable or do not agree on the potential impact of this missense change (SIFT: "Deleterious"; PolyPhen-2: "Benign"; Align-GVGD: "Class C0"). ClinVar contains an entry for this variant (Variation ID: 1359453). This variant has not been reported in the literature in individuals affected with C5-related conditions.

NM_001735.3(C5):c.3568A>C (p.Ile1190Leu)

Gene: C5 (complement C5; minus strand). Cytogenetic location: 9q33.2.
Variant type: single nucleotide variant.
Coding change: c.3568A>C on transcript NM_001735.3 (MANE Select); coding-DNA position 3568, A replaced by C.
Protein change: p.Ile1190Leu; replaces isoleucine 1190 with leucine.
Molecular consequence: missense variant.
Genome position (GRCh38, 1-based): chr9:120,980,173, T>G on the plus strand (A>C on the coding strand, the complement: C5 is on the minus strand). VCF-style: chr9-120980173-T-G. GRCh37 (hg19) VCF-style: chr9-123742451-T-G.
Other names: c.3586A>C, p.Ile1196Leu (NM_001317163.2); short protein forms I1190L, I1196L.
Identifiers: ClinVar variation 1359453 (VCV001359453.8), dbSNP rs1338121809, ClinGen allele CA374727357.